The following is an entry in ClinVar:

ClinVar aggregate classification (germline): Benign (1 of 4 stars; one submission).

Allele frequency attached by ClinVar (database versions not stated): gnomAD 0.01429; 1000 Genomes Project 0.02177; TOPMed 0.02164; 1000 Genomes Project 30x 0.02717.

Submission:

GeneDx
Classification: Benign. Last evaluated: 2018-06-14. Review status: criteria provided, single submitter. Criteria: GeneDx Variant Classification (06012015). Collection method: clinical testing. Allele origin: germline. Affected: yes.
Comment: This variant is considered likely benign or benign based on one or more of the following criteria: it is a conservative change, it occurs at a poorly conserved position in the protein, it is predicted to be benign by multiple in silico algorithms, and/or has population frequency not consistent with disease.

NM_000071.3(CBS):c.736+282T>G

Gene: CBS (cystathionine beta-synthase; minus strand). Cytogenetic location: 21q22.3.
Variant type: single nucleotide variant.
Coding change: c.736+282T>G on transcript NM_000071.3 (MANE Select); 282 bases into the intron after coding-DNA position 736, T replaced by G.
Molecular consequence: intron variant.
Genome position (GRCh38, 1-based): chr21:43,064,921, A>C on the plus strand (T>G on the coding strand, the complement: CBS is on the minus strand). VCF-style: chr21-43064921-A-C. GRCh37 (hg19) VCF-style: chr21-44485031-A-C.
Other names: c.736+282T>G (NM_001320298.2, NM_001178009.3, NM_001178008.3); c.421+282T>G (NM_001321072.1).
Identifiers: ClinVar variation 669935 (VCV000669935.1), dbSNP rs114681211, ClinGen allele CA321095198.
Genomic context (GRCh38, chr21:43,064,921, plus strand): 5'-GAAGTCCAAGCTGTGAGCCCAGCACCAGCCTGGGCCCTGAACAGACTCGCTGTCTGCATT[A>C]TCTGCAGGAGGAGCCCCTGCAGACCTGCAGAGATTGCTGGGTAAACAAATACAGCCATGC-3'